The following is an entry in ClinVar:

NM_177438.3(DICER1):c.3490C>T (p.Leu1164Phe)

Gene: DICER1 (dicer 1, ribonuclease III; minus strand). Cytogenetic location: 14q32.13.
Variant type: single nucleotide variant.
Coding change: c.3490C>T on transcript NM_177438.3 (MANE Select); coding-DNA position 3490, C replaced by T.
Protein change: p.Leu1164Phe; replaces leucine 1164 with phenylalanine.
Molecular consequence: missense variant. On other transcripts: non-coding transcript variant (6).
Genome position (GRCh38, 1-based): chr14:95,103,906, G>A on the plus strand (C>T on the coding strand, the complement: DICER1 is on the minus strand). VCF-style: chr14-95103906-G-A. GRCh37 (hg19) VCF-style: chr14-95570243-G-A.
Other names: c.3490C>T, p.Leu1164Phe (NM_001195573.1, NM_001271282.3, NM_001291628.2 and 13 more transcripts); c.3208C>T, p.Leu1070Phe (NM_001395686.1); c.3085C>T, p.Leu1029Phe (NM_001395687.1, NM_001395688.1, NM_001395689.1 and 2 more transcripts); c.2923C>T, p.Leu975Phe (NM_001395691.1); c.1807C>T, p.Leu603Phe (NM_001395697.1); short protein forms L603F, L975F, L1070F, L1029F, L1164F.
Identifiers: ClinVar variation 1731933 (VCV001731933.3), dbSNP rs2542711767, ClinGen allele CA390875208.

ClinVar aggregate classification (germline): Uncertain significance (1 of 4 stars; one submission).

Conditions:
Hereditary cancer-predisposing syndrome. Also called: Neoplastic Syndromes, Hereditary; Tumor predisposition; Hereditary Cancer Syndrome; Hereditary neoplastic syndrome. Identifiers: Orphanet 140162, MedGen C0027672, MeSH D009386, MONDO:0015356.

Submission:

Ambry Genetics
Classification: Uncertain significance for Hereditary cancer-predisposing syndrome. Last evaluated: 2024-12-17. Review status: criteria provided, single submitter. Criteria: Ambry Variant Classification Scheme 2023. Collection method: clinical testing. Allele origin: germline.
Comment: The p.L1164F variant (also known as c.3490C>T), located in coding exon 20 of the DICER1 gene, results from a C to T substitution at nucleotide position 3490. The leucine at codon 1164 is replaced by phenylalanine, an amino acid with highly similar properties. This amino acid position is not well conserved in available vertebrate species. In addition, this alteration is predicted to be tolerated by in silico analysis. Since supporting evidence is limited at this time, the clinical significance of this alteration remains unclear.